The following is an entry in ClinVar:

NM_182643.3(DLC1):c.2347A>G (p.Asn783Asp)

Gene: DLC1 (DLC1 Rho GTPase activating protein; minus strand). Cytogenetic location: 8p22.
Variant type: single nucleotide variant.
Coding change: c.2347A>G on transcript NM_182643.3 (MANE Select); coding-DNA position 2347, A replaced by G.
Protein change: p.Asn783Asp; replaces asparagine 783 with aspartic acid.
Molecular consequence: missense variant.
Genome position (GRCh38, 1-based): chr8:13,099,990, T>C on the plus strand (A>G on the coding strand, the complement: DLC1 is on the minus strand). VCF-style: chr8-13099990-T-C. GRCh37 (hg19) VCF-style: chr8-12957499-T-C.
Other names: c.814A>G, p.Asn272Asp (NM_001164271.2, NM_001348082.2, NM_001348083.1 and 6 more transcripts); c.1138A>G, p.Asn380Asp (NM_001316668.2, NM_001413129.1); c.2347A>G, p.Asn783Asp (NM_001348081.2, NM_001413124.1); c.1129A>G, p.Asn377Asp (NM_001413130.1); c.787A>G, p.Asn263Asp (NM_001413131.1, NM_001413137.1); c.1273A>G, p.Asn425Asp (NM_001413132.1); c.1036A>G, p.Asn346Asp (NM_001413135.1, NM_001413136.1, NM_001413139.1 and 1 more transcripts); c.1171A>G, p.Asn391Asp (NM_001413140.1); short protein forms N346D, N377D, N380D, N391D, N783D, N272D, N263D, N425D.
Identifiers: ClinVar variation 2851550 (VCV002851550.3), dbSNP rs1818894455, ClinGen allele CA370345798.

ClinVar aggregate classification (germline): Uncertain significance (1 of 4 stars; one submission).

Allele frequency attached by ClinVar (database versions not stated): gnomAD exomes below 0.00001; gnomAD 0.00001.
gnomAD v4.1: 2 of 1,612,448 alleles (0.00012%); highest among the groups gnomAD compares: South Asian, 0.0022%; no homozygotes.

Submission:

Labcorp Genetics (formerly Invitae), Labcorp
Classification: Uncertain significance. Last evaluated: 2023-04-02. Review status: criteria provided, single submitter. Criteria: Invitae Variant Classification Sherloc (09022015). Collection method: clinical testing. Allele origin: germline.
Comment: This sequence change replaces asparagine, which is neutral and polar, with aspartic acid, which is acidic and polar, at codon 783 of the DLC1 protein (p.Asn783Asp). In summary, the available evidence is currently insufficient to determine the role of this variant in disease. Therefore, it has been classified as a Variant of Uncertain Significance. Algorithms developed to predict the effect of missense changes on protein structure and function output the following: SIFT: "Not Available"; PolyPhen-2: "Benign"; Align-GVGD: "Not Available". The aspartic acid amino acid residue is found in multiple mammalian species, which suggests that this missense change does not adversely affect protein function. This variant is not present in population databases (gnomAD no frequency). This variant has not been reported in the literature in individuals affected with DLC1-related conditions.